The following is an entry in ClinVar:

ClinVar aggregate classification (germline): Uncertain significance. Review status: criteria provided, multiple submitters, no conflicts (2 of 4 stars). 2 submissions from 2 submitters: Uncertain significance (2). Last evaluated 2025-10-21.

Allele frequency attached by ClinVar (database versions not stated): TOPMed below 0.00001; gnomAD 0.00001; gnomAD exomes 0.00001.

Submissions (2):

Ambry Genetics
Classification: Uncertain significance. Last evaluated: 2025-10-21. Review status: criteria provided, single submitter. Criteria: Ambry Variant Classification Scheme 2023. Collection method: clinical testing. Allele origin: germline.
Comment: The c.2612T>C (p.I871T) alteration is located in exon 21 (coding exon 21) of the ITPR3 gene. This alteration results from a T to C substitution at nucleotide position 2612, causing the isoleucine (I) at amino acid position 871 to be replaced by a threonine (T). Based on data from gnomAD, the C allele has an overall frequency of 0.003% (1/31338) total alleles studied. The highest observed frequency was 0.007% (1/15390) of European (non-Finnish) alleles. Based on insufficient or conflicting evidence, the clinical significance of this alteration remains unclear.

Blueprint Genetics
Classification: Uncertain significance. Last evaluated: 2023-08-18. Review status: criteria provided, single submitter. Criteria: ACMG Guidelines, 2015. Collection method: clinical testing. Allele origin: germline.

NM_002224.4(ITPR3):c.2612T>C (p.Ile871Thr)

Gene: ITPR3 (inositol 1,4,5-trisphosphate receptor type 3; plus strand). Cytogenetic location: 6p21.31.
Variant type: single nucleotide variant.
Coding change: c.2612T>C on transcript NM_002224.4 (MANE Select); coding-DNA position 2612, T replaced by C.
Protein change: p.Ile871Thr; replaces isoleucine 871 with threonine.
Molecular consequence: missense variant.
Genome position (GRCh38, 1-based): chr6:33,671,190, T>C. VCF-style: chr6-33671190-T-C. GRCh37 (hg19) VCF-style: chr6-33638967-T-C.
Other names: short protein forms I871T.
Identifiers: ClinVar variation 2610482 (VCV002610482.4), dbSNP rs1561869565, ClinGen allele CA363699942.
Genomic context (GRCh38, chr6:33,671,190, plus strand): 5'-CCTCCCACCTCACCTCGGCCACGCCCCCTTCGCAGGTGGTCAGCCTGGCGCACAATCTCA[T>C]CTACTTCGGCTTCTACAGCTTCAGCGAGCTGCTGCGGCTCACTCGCACACTGCTGGGCAT-3'
Protein context (NP_002215.2, residues 861-881): FEVVSLAHNL[Ile871Thr]YFGFYSFSEL